The following is an entry in ClinVar:

ClinVar aggregate classification (germline): Likely pathogenic (1 of 4 stars; one submission).

Conditions:
Developmental and epileptic encephalopathy. Identifiers: MedGen C5779964, MONDO:0100620.

Submission:

Labcorp Genetics (formerly Invitae), Labcorp
Classification: Likely pathogenic for Early-infantile DEE. Last evaluated: 2017-11-05. Review status: criteria provided, single submitter. Criteria: Invitae Variant Classification Sherloc (09022015). Collection method: clinical testing. Allele origin: germline.
Comment: This sequence change affects a donor splice site in intron 1 of the SCN1A gene. It is expected to disrupt RNA splicing and likely results in an absent or disrupted protein product. This variant is not present in population databases (ExAC no frequency). This variant has not been reported in the literature in individuals with SCN1A-related disease. Algorithms developed to predict the effect of sequence changes on RNA splicing suggest that this variant may disrupt the consensus splice site, but this prediction has not been confirmed by published transcriptional studies. Donor and acceptor splice site variants typically lead to a loss of protein function (PMID: 16199547), and loss-of-function variants in SCN1A are known to be pathogenic (PMID: 17347258, 18930999). In summary, the currently available evidence indicates that the variant is pathogenic, but additional data are needed to prove that conclusively. Therefore, this variant has been classified as Likely Pathogenic.

Literature cited by the submitters: PubMed 16199547; PubMed 17347258; PubMed 18930999.

NM_001165963.4(SCN1A):c.264+1G>C

Gene: SCN1A (sodium voltage-gated channel alpha subunit 1; minus strand). Cytogenetic location: 2q24.3.
Variant type: single nucleotide variant.
Coding change: c.264+1G>C on transcript NM_001165963.4 (MANE Select); the canonical splice donor site of the intron after coding-DNA position 264, G replaced by C.
Molecular consequence: splice donor variant.
Genome position (GRCh38, 1-based): chr2:166,073,357, C>G on the plus strand (G>C on the coding strand, the complement: SCN1A is on the minus strand). VCF-style: chr2-166073357-C-G. GRCh37 (hg19) VCF-style: chr2-166929867-C-G.
Other names: c.264+1G>C (NM_001353949.2, NM_001353958.2, NM_001353950.2 and 10 more transcripts); c.-2162+1G>C (NM_001353961.2).
Identifiers: ClinVar variation 530499 (VCV000530499.3), dbSNP rs1553560677, ClinGen allele CA349242598.